The following is an entry in ClinVar:

ClinVar aggregate classification (germline): Uncertain significance (1 of 4 stars; one submission).

Conditions:
Baller-Gerold syndrome (BGS). Also called: CRANIOSYNOSTOSIS WITH RADIAL DEFECTS. Identifiers: Orphanet 1225, MedGen C0265308, MONDO:0009039, OMIM 218600.

Submission:

Labcorp Genetics (formerly Invitae), Labcorp
Classification: Uncertain significance for Baller-Gerold syndrome. Last evaluated: 2023-08-11. Review status: criteria provided, single submitter. Criteria: Invitae Variant Classification Sherloc (09022015). Collection method: clinical testing. Allele origin: germline.
Comment: In summary, the available evidence is currently insufficient to determine the role of this variant in disease. Therefore, it has been classified as a Variant of Uncertain Significance. Advanced modeling of protein sequence and biophysical properties (such as structural, functional, and spatial information, amino acid conservation, physicochemical variation, residue mobility, and thermodynamic stability) performed at Invitae indicates that this missense variant is not expected to disrupt RECQL4 protein function. This variant has not been reported in the literature in individuals affected with RECQL4-related conditions. This variant is not present in population databases (gnomAD no frequency). This sequence change replaces glutamine, which is neutral and polar, with histidine, which is basic and polar, at codon 173 of the RECQL4 protein (p.Gln173His).

NM_004260.4(RECQL4):c.519G>T (p.Gln173His)

Gene: RECQL4 (RecQ like helicase 4; minus strand). Cytogenetic location: 8q24.3.
Variant type: single nucleotide variant.
Coding change: c.519G>T on transcript NM_004260.4 (MANE Select); coding-DNA position 519, G replaced by T.
Protein change: p.Gln173His; replaces glutamine 173 with histidine.
Molecular consequence: missense variant. On other transcripts: 5 prime UTR variant (15), non-coding transcript variant (3), intron variant (3).
Genome position (GRCh38, 1-based): chr8:144,516,600, C>A on the plus strand (G>T on the coding strand, the complement: RECQL4 is on the minus strand). VCF-style: chr8-144516600-C-A. GRCh37 (hg19) VCF-style: chr8-145741984-C-A.
Other names: c.519G>T, p.Gln173His (NM_001413017.1, NM_001413018.1, NM_001413019.1 and 4 more transcripts); c.-553G>T (NM_001413022.1, NM_001413023.1, NM_001413024.1 and 5 more transcripts); c.390G>T, p.Gln130His (NM_001413025.1); c.-615G>T (NM_001413027.1, NM_001413030.1, NM_001413031.1 and 2 more transcripts); c.-457G>T (NM_001413034.1); c.-822G>T (NM_001413043.1); c.355-187G>T (NM_001413029.1); c.-366-187G>T (NM_001413021.1); and 1 more; short protein forms Q173H, Q130H.
Identifiers: ClinVar variation 2751874 (VCV002751874.3), dbSNP rs1815058747, ClinGen allele CA372691178.
Genomic context (GRCh38, chr8:144,516,600, plus strand): 5'-TCGCTGTAACCAGCCAGGATCTAGGGAGCCCAGCCGCTGGCTCAGGGATGCCTGCAGATG[C>A]TGGAGCCGGCCTGGCCTTGGCTGGGGCTCAGGGAGCTGTGGAGGCTCATCACTGACTTTT-3'
Protein context (NP_004251.4, residues 163-183): PEPQPRPGRL[Gln173His]HLQASLSQRL